The following continues an entry in ClinVar:

NM_020297.4(ABCC9):c.4512+744_4512+746delinsAAAT

ClinVar aggregate classification (germline): Conflicting classifications of pathogenicity. Uncertain significance (9); Likely benign (2).

Submissions 8 to 15 of 15:

Victorian Clinical Genetics Services, Murdoch Childrens Research Institute
Classification: Uncertain significance for Dilated cardiomyopathy 1O. Last evaluated: 2022-02-02. Review status: criteria provided, single submitter. Criteria: ACMG Guidelines, 2015. Collection method: clinical testing. Allele origin: germline. Inheritance: Autosomal dominant inheritance.
Comment: Based on the classification scheme VCGS_Germline_v1.3.4, this variant is classified as VUS-3C. Following criteria are met: 0103 - Loss of function and gain of function are known mechanisms of disease in this gene. Loss of function variant have been reported to cause dilated cardiomyopathy, 1O (MIM#608569) and ABCC9-related Intellectual disability Myopathy Syndrome (AIMS) (PMID: 31575858). While gain of function variant have been reported to cause Cantu syndrome (MIM#239850). (I) 0107 - This gene is associated with autosomal dominant disease. (I) 0205 - Variant is predicted to result in a truncated protein with less than 1/3 of the protein sequence affected. (SP) 0219 - This variant is non-coding in an alternative transcript. This variant is non-coding in three out of the four ABCC9 transcripts. Exon expression data indicates that this variant is coding in the skeletal muscle transcript and non-coding in the main cardiac tissue transcript (GTEx Portal). (I) 0251 - This variant is heterozygous. (I) 0302 - Variant is present in gnomAD (v2) <0.001 for a dominant condition (145 heterozygotes, 0 homozygotes). (I) 0710 – Other truncating variants comparable to the one identified in this case have inconclusive previous evidence for pathogenicity. Three other truncating variants have conflicting or uncertain interpretations of pathogenicity (ClinVar). (I) 0808 - Previous reports of pathogenicity for this variant are conflicting. This variant has been reported with conflicting interpretations of pathogenicity in individuals with DCM, atrial fibrillation, Brugada syndrome, arrhythmias, and idiopathic cardiac arrest (PMID: 15034580, 26899768, 31638414, 24439875, 23861362, 28600387, 30847666). This variant has seven VUS entries in ClinVar. (I) 0905 - No published segregation evidence has been identified for this variant. (I) 1002 - This variant has moderate functional evidence supporting abnormal protein function. Patch clamp functional studies involving site-directed mutagenesis and Xenopus laevis oocytes, indicated that this variant might cause a structural defect of the potassium channel and aberrant ATP-dependent channel gating (PMID: 15034580). However, patch clamp assays have been shown to be unreliable, therefore results from these studies are used with caution during variant classification. (I) Legend: (SP) - Supporting pathogenic, (I) - Information, (SB) - Supporting benign

Laboratory for Molecular Medicine, Mass General Brigham Personalized Medicine
Classification: Uncertain significance. Last evaluated: 2018-05-18. Review status: criteria provided, single submitter. Criteria: LMM Criteria. Collection method: clinical testing. Allele origin: germline. Observed: 2 variant alleles.
Comment: Variant classified as Uncertain Significance - Favor Benign. The p.Leu1524fs var iant in ABCC9 has been reported in 2 individuals with DCM (Bienengraeber 2004, C uenca 2016) and 1 individual with Brugada Syndrome (Hu 2014), but has also been identified in 0.08% (107/126560) of European chromosomes by the Genome Aggregati on Database (gnomAD; dbSNP rs139703258 and rs7 61784169). In vitro functional studies provide some evidence that the p.Leu1524f s variant may impact protein function (Bienengraeber et al. 2004); however, thes e types of assays may not accurately represent biological function. This variant is predicted to cause a frameshift, which alters the protein?s amino acid seque nce beginning at position 1524 and leads to a premature termination codon 5 amin o acids downstream. This termination codon occurs within the last exon of the ge ne and is likely to escape nonsense mediated decay, resulting in a truncated pro tein. In summary, while the clinical significance of the p.Leu1524fs variant is uncertain, the frequency data suggests that it is more likely to be benign. ACMG /AMP Criteria applied. BS1, PS3_Supporting.

Stanford Center for Inherited Cardiovascular Disease, Stanford University
Classification: Uncertain significance. Last evaluated: 2017-04-06. Review status: criteria provided, single submitter. Criteria: ACMG Guidelines, 2015. Collection method: provider interpretation. Allele origin: germline.

Center of Genomic medicine, Geneva, University Hospital of Geneva
Classification: Uncertain significance for Arrhythmogenic right ventricular dysplasia. Last evaluated: 2016-07-05. Review status: criteria provided, single submitter. Criteria: ACMG Guidelines, 2015. Collection method: clinical testing. Allele origin: germline. Affected: yes.

OMIM
Classification: Pathogenic for CARDIOMYOPATHY, DILATED, 1O. Last evaluated: 2004-04-01. Review status: no assertion criteria provided. Collection method: literature only. Allele origin: germline. Not counted in ClinVar's aggregate classification.

Clinical Genetics DNA and cytogenetics Diagnostics Lab, Erasmus MC, Erasmus Medical Center
Classification: Uncertain significance. Review status: no assertion criteria provided. Collection method: clinical testing. Allele origin: germline. Affected: yes. Study: VKGL Data-share Consensus. Not counted in ClinVar's aggregate classification.

Diagnostic Laboratory, Department of Genetics, University Medical Center Groningen
Classification: Uncertain significance. Review status: no assertion criteria provided. Collection method: clinical testing. Allele origin: germline. Affected: yes. Study: VKGL Data-share Consensus. Not counted in ClinVar's aggregate classification.

Joint Genome Diagnostic Labs from Nijmegen and Maastricht, Radboudumc and MUMC+
Classification: Uncertain significance. Review status: no assertion criteria provided. Collection method: clinical testing. Allele origin: germline. Affected: yes. Study: VKGL Data-share Consensus. Not counted in ClinVar's aggregate classification.

Literature cited by the submitters: PubMed 35495129 (cited by 3 submitters); PubMed 26899768 (cited by 6 submitters); PubMed 28600387 (cited by 5 submitters); PubMed 15034580 (cited by 7 submitters); PubMed 24439875 (cited by 6 submitters); PubMed 23861362 (cited by 4 submitters); PubMed 22337857 (cited by Women's Health and Genetics/Laboratory Corporation of America, LabCorp and Mayo Clinic Laboratories, Mayo Clinic); PubMed 21846889 (cited by Women's Health and Genetics/Laboratory Corporation of America, LabCorp and Mayo Clinic Laboratories, Mayo Clinic); PubMed 30847666 (cited by 4 submitters); PubMed 31638414 (cited by 3 submitters); PubMed 32972544 (cited by Women's Health and Genetics/Laboratory Corporation of America, LabCorp and Mayo Clinic Laboratories, Mayo Clinic); PubMed 20664073 (cited by Women's Health and Genetics/Laboratory Corporation of America, LabCorp and Mayo Clinic Laboratories, Mayo Clinic); PubMed 31030551 (cited by Women's Health and Genetics/Laboratory Corporation of America, LabCorp and Mayo Clinic Laboratories, Mayo Clinic); PubMed 20033705 (cited by Women's Health and Genetics/Laboratory Corporation of America, LabCorp and Mayo Clinic Laboratories, Mayo Clinic); PubMed 18497752 (cited by Women's Health and Genetics/Laboratory Corporation of America, LabCorp and Mayo Clinic Laboratories, Mayo Clinic); PubMed 38837338 (cited by Women's Health and Genetics/Laboratory Corporation of America, LabCorp and Mayo Clinic Laboratories, Mayo Clinic); PubMed 36129056 (cited by Mayo Clinic Laboratories, Mayo Clinic); PubMed 39337275 (cited by Mayo Clinic Laboratories, Mayo Clinic); PubMed 31575858 (cited by Victorian Clinical Genetics Services, Murdoch Childrens Research Institute).